The following is an entry in ClinVar:

ClinVar aggregate classification (germline): Uncertain significance (1 of 4 stars; one submission).

Conditions:
Autosomal recessive severe congenital neutropenia due to JAGN1 deficiency. Also called: Severe congenital neutropenia 6, autosomal recessive. Identifiers: Orphanet 423384, MedGen C4014954, MONDO:0014456, OMIM 616022.

Submission:

Labcorp Genetics (formerly Invitae), Labcorp
Classification: Uncertain significance for Autosomal recessive severe congenital neutropenia due to JAGN1 deficiency. Last evaluated: 2024-09-06. Review status: criteria provided, single submitter. Criteria: Invitae Variant Classification Sherloc (09022015). Collection method: clinical testing. Allele origin: germline.
Comment: This sequence change falls in intron 1 of the JAGN1 gene. It does not directly change the encoded amino acid sequence of the JAGN1 protein. It affects a nucleotide within the consensus splice site. This variant is present in population databases (rs764508434, gnomAD 0.003%). This variant has not been reported in the literature in individuals affected with JAGN1-related conditions. Variants that disrupt the consensus splice site are a relatively common cause of aberrant splicing (PMID: 17576681, 9536098). Algorithms developed to predict the effect of sequence changes on RNA splicing suggest that this variant is not likely to affect RNA splicing. In summary, the available evidence is currently insufficient to determine the role of this variant in disease. Therefore, it has been classified as a Variant of Uncertain Significance.

Literature cited by the submitters: PubMed 17576681; PubMed 9536098.

NM_032492.4(JAGN1):c.89+5G>A

Gene: JAGN1 (jagunal vesicle mediated transporter 1; plus strand). Cytogenetic location: 3p25.3.
Variant type: single nucleotide variant.
Coding change: c.89+5G>A on transcript NM_032492.4 (MANE Select); 5 bases into the intron after coding-DNA position 89, G replaced by A.
Molecular consequence: intron variant.
Genome position (GRCh38, 1-based): chr3:9,890,816, G>A. VCF-style: chr3-9890816-G-A. GRCh37 (hg19) VCF-style: chr3-9932500-G-A.
Other names: c.-180+5G>A (NM_001363890.1).
Identifiers: ClinVar variation 3620683 (VCV003620683.2).
Genomic context (GRCh38, chr3:9,890,816, plus strand): 5'-ACCGACGGCAGCGACTTTCAGCACCGGGAGCGCGTCGCCATGCACTACCAGATGAGGTAT[G>A]AAGTGAGGCGAGGAGCACGGAGGCTTTCTCCCCCGCTGGAGCCTGCGGGGCTTGGGGAGC-3'